The following is an entry in ClinVar:

NM_001009944.3(PKD1):c.7711G>C (p.Ala2571Pro)

Gene: PKD1 (polycystin 1, transient receptor potential channel interacting; minus strand). Cytogenetic location: 16p13.3.
Variant type: single nucleotide variant.
Coding change: c.7711G>C on transcript NM_001009944.3 (MANE Select); coding-DNA position 7711, G replaced by C.
Protein change: p.Ala2571Pro; replaces alanine 2571 with proline.
Molecular consequence: missense variant.
Genome position (GRCh38, 1-based): chr16:2,106,017, C>G on the plus strand (G>C on the coding strand, the complement: PKD1 is on the minus strand). VCF-style: chr16-2106017-C-G. GRCh37 (hg19) VCF-style: chr16-2156018-C-G.
Other names: c.7711G>C (NM_000296.3); c.7711G>C, p.Ala2571Pro (NM_000296.4); short protein forms A2571P.
Identifiers: ClinVar variation 3048538 (VCV003048538.5), dbSNP rs749853995, ClinGen allele CA7830945.

ClinVar aggregate classification (germline): Conflicting classifications of pathogenicity. Review status: criteria provided, conflicting classifications (1 of 4 stars). 4 submissions from 4 submitters: Uncertain significance (2); Likely benign (1). 1 of the submissions does not count toward it. Last evaluated 2026-03-23.

Conditions:
Inborn genetic diseases. Identifiers: MedGen C0950123, MeSH D030342.
PKD1-related disorder. Also called: PKD1-related condition.

Allele frequency attached by ClinVar (database versions not stated): gnomAD 0.00019; TOPMed 0.00024.
gnomAD v4.1: 42 of 1,606,056 alleles (0.0026%); highest among the groups gnomAD compares: African/African-American, 0.056%; no homozygotes.

Submissions (4):

Women's Health and Genetics/Laboratory Corporation of America, LabCorp
Classification: Uncertain significance. Last evaluated: 2026-03-23. Review status: criteria provided, single submitter. Criteria: LabCorp Variant Classification Summary - May 2015. Collection method: clinical testing. Allele origin: germline.
Comment: Variant summary: PKD1 c.7711G>C (p.Ala2571Pro) results in a non-conservative amino acid change in the encoded protein sequence. Algorithms developed to predict the effect of missense changes on protein structure and function are either unavailable or do not agree on the potential impact of this missense change. The variant allele was found at a frequency of 3.3e-05 in 239366 control chromosomes (gnomAD). The available data on variant occurrences in the general population are insufficient to allow any conclusion about variant significance. To our knowledge, no occurrence of c.7711G>C in individuals affected with PKD1-related conditions and no experimental evidence demonstrating its impact on protein function have been reported. ClinVar contains an entry for this variant (Variation ID: 3048538). Based on the evidence outlined above, the variant was classified as uncertain significance.

Athena Diagnostics
Classification: Likely benign. Last evaluated: 2025-10-27. Review status: criteria provided, single submitter. Criteria: Athena Diagnostics Criteria. Collection method: clinical testing. Allele origin: unknown.
Comment: The frequency of this variant in the general population is higher than would generally be expected for pathogenic variants in this gene.

Ambry Genetics
Classification: Uncertain significance for Inborn genetic diseases. Last evaluated: 2025-08-03. Review status: criteria provided, single submitter. Criteria: Ambry Variant Classification Scheme 2023. Collection method: clinical testing. Allele origin: germline.

PreventionGenetics, part of Exact Sciences
Classification: Likely benign for PKD1-related condition. Last evaluated: 2022-06-07. Review status: no assertion criteria provided. Collection method: clinical testing. Allele origin: germline. Not counted in ClinVar's aggregate classification.
Comment: This variant is classified as likely benign based on ACMG/AMP sequence variant interpretation guidelines (Richards et al. 2015 PMID: 25741868, with internal and published modifications).